The following is an entry in ClinVar:

NM_015215.4(CAMTA1):c.2414A>T (p.Gln805Leu)

Gene: CAMTA1 (calmodulin binding transcription activator 1; plus strand). Cytogenetic location: 1p36.23.
Variant type: single nucleotide variant.
Coding change: c.2414A>T on transcript NM_015215.4 (MANE Select); coding-DNA position 2414, A replaced by T.
Protein change: p.Gln805Leu; replaces glutamine 805 with leucine.
Molecular consequence: missense variant.
Genome position (GRCh38, 1-based): chr1:7,664,961, A>T. VCF-style: chr1-7664961-A-T. GRCh37 (hg19) VCF-style: chr1-7725021-A-T.
Other names: c.2324A>T, p.Gln775Leu (NM_001349608.2, NM_001349612.2); c.2414A>T, p.Gln805Leu (NM_001349609.2, NM_001349610.2, NM_001410737.1); c.2342A>T, p.Gln781Leu (NM_001410738.1); short protein forms Q775L, Q781L, Q805L.
Identifiers: ClinVar variation 4083048 (VCV004083048.1).

ClinVar aggregate classification (germline): Uncertain significance (1 of 4 stars; one submission).

Submission:

GeneDx
Classification: Uncertain significance. Last evaluated: 2025-03-13. Review status: criteria provided, single submitter. Criteria: GeneDx Variant Classification Process June 2021. Collection method: clinical testing. Allele origin: germline. Affected: yes.
Comment: Not observed at significant frequency in large population cohorts (gnomAD); In silico analysis indicates that this missense variant does not alter protein structure/function; Has not been previously published as pathogenic or benign to our knowledge